The following is an entry in ClinVar:

NM_000535.7(PMS2):c.1379G>T (p.Gly460Val)

Gene: PMS2 (PMS1 homolog 2, mismatch repair system component; minus strand). Cytogenetic location: 7p22.1.
Variant type: single nucleotide variant.
Coding change: c.1379G>T on transcript NM_000535.7 (MANE Select); coding-DNA position 1379, G replaced by T.
Protein change: p.Gly460Val; replaces glycine 460 with valine.
Molecular consequence: missense variant. On other transcripts: non-coding transcript variant (1).
Genome position (GRCh38, 1-based): chr7:5,987,386, C>A on the plus strand (G>T on the coding strand, the complement: PMS2 is on the minus strand). VCF-style: chr7-5987386-C-A. GRCh37 (hg19) VCF-style: chr7-6027017-C-A.
Other names: c.974G>T, p.Gly325Val (NM_001322003.2, NM_001322004.2, NM_001322005.2 and 1 more transcripts); c.1223G>T, p.Gly408Val (NM_001322006.2); c.1061G>T, p.Gly354Val (NM_001322007.2, NM_001322008.2); c.818G>T, p.Gly273Val (NM_001322010.2); c.446G>T, p.Gly149Val (NM_001322011.2, NM_001322012.2); c.806G>T, p.Gly269Val (NM_001322013.2); c.1379G>T, p.Gly460Val (NM_001322014.2); c.1070G>T, p.Gly357Val (NM_001322015.2); short protein forms G460V, G269V, G325V, G354V, G408V, G357V, G149V, G273V.
Identifiers: ClinVar variation 484291 (VCV000484291.5), dbSNP rs150201462, ClinGen allele CA366742189.
Genomic context (GRCh38, chr7:5,987,386, plus strand): 5'-CCGTGACTGGAACTCACTGCCTCTTTCTGAGGTCTCAGGACGCCTTTGTCAGAGATGGCA[C>A]CTGAAGTGCTAGAAGACAGCATACCCCTTTTCTGTCCTAGAGGGCTCCTTCTTGGTTCTG-3'
Protein context (NP_000526.2, residues 450-470): KRGMLSSSTS[Gly460Val]AISDKGVLRP

ClinVar aggregate classification (germline): Uncertain significance (1 of 4 stars; one submission).

Conditions:
Hereditary cancer-predisposing syndrome. Also called: Neoplastic Syndromes, Hereditary; Tumor predisposition; Hereditary Cancer Syndrome; Hereditary neoplastic syndrome. Identifiers: Orphanet 140162, MedGen C0027672, MeSH D009386, MONDO:0015356.

Submission:

Ambry Genetics
Classification: Uncertain significance for Hereditary cancer-predisposing syndrome. Last evaluated: 2016-09-12. Review status: criteria provided, single submitter. Criteria: Ambry Variant Classification Scheme 2023. Collection method: clinical testing. Allele origin: germline.
Comment: The p.G460V variant (also known as c.1379G>T), located in coding exon 11 of the PMS2 gene, results from a G to T substitution at nucleotide position 1379. The glycine at codon 460 is replaced by valine, an amino acid with dissimilar properties. This variant was not reported in population based cohorts in the following databases: Database of Single Nucleotide Polymorphisms (dbSNP), NHLBI Exome Sequencing Project (ESP), and 1000 Genomes Project. In the ESP, this variant was not observed in 6503 samples (13006 alleles) with coverage at this position. To date, this alteration has been detected with an allele frequency of approximately 0.001% (greater than 150000 alleles tested) in our clinical cohort. This amino acid position is poorly conserved in available vertebrate species. In addition, this alteration is predicted to be tolerated by in silico analysis. Since supporting evidence is limited at this time, the clinical significance of this alteration remains unclear.